The following is an entry in ClinVar:

ClinVar aggregate classification (germline): Uncertain significance. Review status: criteria provided, multiple submitters, no conflicts (2 of 4 stars). 2 submissions from 2 submitters: Uncertain significance (2). Last evaluated 2025-02-23.

Conditions:
Hypertrophic cardiomyopathy. Also called: HYPERTROPHIC MYOCARDIOPATHY. Identifiers: Orphanet 217569, MedGen C0007194, MeSH D002312, MONDO:0005045, HP:0001639.

Allele frequency attached by ClinVar (database versions not stated): gnomAD 0.00001; gnomAD exomes 0.00001; TOPMed 0.00001.
gnomAD v4.1: 15 of 1,613,598 alleles (0.00093%); highest among the groups gnomAD compares: Non-Finnish European, 0.0012%; no homozygotes.

Submissions (2):

Labcorp Genetics (formerly Invitae), Labcorp
Classification: Uncertain significance for Hypertrophic cardiomyopathy. Last evaluated: 2025-02-23. Review status: criteria provided, single submitter. Criteria: Invitae Variant Classification Sherloc (09022015). Collection method: clinical testing. Allele origin: germline.
Comment: This sequence change replaces glutamic acid, which is acidic and polar, with valine, which is neutral and non-polar, at codon 305 of the MYOM1 protein (p.Glu305Val). This variant is not present in population databases (gnomAD no frequency). This variant has not been reported in the literature in individuals affected with MYOM1-related conditions. ClinVar contains an entry for this variant (Variation ID: 1358652). Invitae Evidence Modeling of protein sequence and biophysical properties (such as structural, functional, and spatial information, amino acid conservation, physicochemical variation, residue mobility, and thermodynamic stability) indicates that this missense variant is not expected to disrupt MYOM1 protein function with a negative predictive value of 80%. In summary, the available evidence is currently insufficient to determine the role of this variant in disease. Therefore, it has been classified as a Variant of Uncertain Significance.

Ambry Genetics
Classification: Uncertain significance. Last evaluated: 2022-08-24. Review status: criteria provided, single submitter. Criteria: Ambry Variant Classification Scheme 2023. Collection method: clinical testing. Allele origin: germline.
Comment: The p.E305V variant (also known as c.914A>T), located in coding exon 4 of the MYOM1 gene, results from an A to T substitution at nucleotide position 914. The glutamic acid at codon 305 is replaced by valine, an amino acid with dissimilar properties. This amino acid position is conserved. In addition, this alteration is predicted to be tolerated by in silico analysis. Since supporting evidence is limited at this time, the clinical significance of this alteration remains unclear.

NM_003803.4(MYOM1):c.914A>T (p.Glu305Val)

Gene: MYOM1 (myomesin 1; minus strand). Cytogenetic location: 18p11.31.
Variant type: single nucleotide variant.
Coding change: c.914A>T on transcript NM_003803.4 (MANE Select); coding-DNA position 914, A replaced by T.
Protein change: p.Glu305Val; replaces glutamic acid 305 with valine.
Molecular consequence: missense variant.
Genome position (GRCh38, 1-based): chr18:3,187,495, T>A on the plus strand (A>T on the coding strand, the complement: MYOM1 is on the minus strand). VCF-style: chr18-3187495-T-A. GRCh37 (hg19) VCF-style: chr18-3187493-T-A.
Other names: c.914A>T, p.Glu305Val (NM_019856.2); short protein forms E305V.
Identifiers: ClinVar variation 1358652 (VCV001358652.8), dbSNP rs1477896162, ClinGen allele CA401716057.